The following is an entry in ClinVar:

NC_000019.9:g.(?_36332607)_(36342749_?)del

Gene: NPHS1 (NPHS1 adhesion molecule, nephrin; minus strand). Cytogenetic location: 19q13.12.
Variant type: Deletion.
Identifiers: ClinVar variation 3242676 (VCV003242676.1).

ClinVar aggregate classification (germline): Pathogenic (1 of 4 stars; one submission).

Submission:

Labcorp Genetics (formerly Invitae), Labcorp
Classification: Pathogenic. Last evaluated: 2022-10-14. Review status: criteria provided, single submitter. Criteria: Invitae Variant Classification Sherloc (09022015). Collection method: clinical testing. Allele origin: unknown.
Comment: For these reasons, this variant has been classified as Pathogenic. This variant has not been reported in the literature in individuals affected with NPHS1-related conditions. This variant is a gross deletion of the genomic region encompassing exon(s) 1-20 of the NPHS1 gene, which includes the initiator codon. This deletion extends beyond the assayed region for this gene and therefore may encompass additional genes. It is expected to result in an absent or disrupted protein product. Loss-of-function variants in NPHS1 are known to be pathogenic (PMID: 11317351, 11854170, 12039988).

Literature cited by the submitters: PubMed 11317351; PubMed 11854170; PubMed 12039988.